The following is an entry in ClinVar:

ClinVar aggregate classification (germline): Pathogenic (1 of 4 stars; one submission).

Conditions:
Congenital hyperammonemia, type I. Also called: CPS I DEFICIENCY; Carbamoyl phosphate synthetase 1 deficiency; Hyperammonemia due to carbamoyl phosphate synthetase 1 deficiency; CPS 1 deficiency; Carbamyl phosphate synthetase (CPS) deficiency; Carbamoyl-phosphate synthase I deficiency. Identifiers: Orphanet 147, MedGen C4082171, MONDO:0009376, OMIM 237300.

Submission:

Labcorp Genetics (formerly Invitae), Labcorp
Classification: Pathogenic for Congenital hyperammonemia, type I. Last evaluated: 2021-06-24. Review status: criteria provided, single submitter. Criteria: Invitae Variant Classification Sherloc (09022015). Collection method: clinical testing. Allele origin: germline.
Comment: This sequence change creates a premature translational stop signal (p.Thr804Tyrfs*3) in the CPS1 gene. It is expected to result in an absent or disrupted protein product. Loss-of-function variants in CPS1 are known to be pathogenic (PMID: 21120950). This variant is not present in population databases (ExAC no frequency). This variant has not been reported in the literature in individuals with CPS1-related conditions. Algorithms developed to predict the effect of sequence changes on RNA splicing suggest that this variant may create or strengthen a splice site, but this prediction has not been confirmed by published transcriptional studies. For these reasons, this variant has been classified as Pathogenic.

Literature cited by the submitters: PubMed 21120950.

NM_001875.5(CPS1):c.2408dup (p.Thr804fs)

Gene: CPS1 (carbamoyl-phosphate synthase 1; plus strand). Cytogenetic location: 2q34.
Variant type: Duplication.
Coding change: c.2408dup on transcript NM_001875.5 (MANE Select); coding-DNA position 2408, one base duplicated (G; older notation c.2408dupG).
Protein change: p.Thr804fs; shifts the reading frame from threonine 804.
Molecular consequence: frameshift variant. On other transcripts: non-coding transcript variant (2).
Genome position (GRCh38, 1-based): chr2:210,612,133, G duplicated. VCF-style (leftmost placement, unchanged base first): chr2-210612132-C-CG. GRCh37 (hg19) VCF-style: chr2-211476856-C-CG.
Other names: c.2408dup, p.Thr804fs (NM_001122633.3, NM_001369257.1); c.2441dup, p.Thr815fs (NM_001369256.1); short protein forms T815fs, T804fs.
Identifiers: ClinVar variation 1435669 (VCV001435669.6), dbSNP rs2105859007, ClinGen allele CA2573135287.